The following is an entry in ClinVar:

ClinVar aggregate classification (germline): Uncertain significance (1 of 4 stars; one submission).

gnomAD v4.1: 45 of 1,552,122 alleles (0.0029%); highest among the groups gnomAD compares: Non-Finnish European, 0.0038%; no homozygotes.

Submission:

Labcorp Genetics (formerly Invitae), Labcorp
Classification: Uncertain significance. Last evaluated: 2024-10-24. Review status: criteria provided, single submitter. Criteria: Invitae Variant Classification Sherloc (09022015). Collection method: clinical testing. Allele origin: germline.
Comment: This sequence change replaces aspartic acid, which is acidic and polar, with alanine, which is neutral and non-polar, at codon 1094 of the LOXHD1 protein (p.Asp1094Ala). This variant is present in population databases (no rsID available, gnomAD 0.002%). This variant has not been reported in the literature in individuals affected with LOXHD1-related conditions. ClinVar contains an entry for this variant (Variation ID: 2147768). An algorithm developed to predict the effect of missense changes on protein structure and function (PolyPhen-2) suggests that this variant is likely to be disruptive. In summary, the available evidence is currently insufficient to determine the role of this variant in disease. Therefore, it has been classified as a Variant of Uncertain Significance.

NM_001384474.1(LOXHD1):c.3281A>C (p.Asp1094Ala)

Gene: LOXHD1 (lipoxygenase homology PLAT domains 1; minus strand). Cytogenetic location: 18q21.1.
Variant type: single nucleotide variant.
Coding change: c.3281A>C on transcript NM_001384474.1 (MANE Select); coding-DNA position 3281, A replaced by C.
Protein change: p.Asp1094Ala; replaces aspartic acid 1094 with alanine.
Molecular consequence: missense variant. On other transcripts: 5 prime UTR variant (1).
Genome position (GRCh38, 1-based): chr18:46,557,425, T>G on the plus strand (A>C on the coding strand, the complement: LOXHD1 is on the minus strand). VCF-style: chr18-46557425-T-G. GRCh37 (hg19) VCF-style: chr18-44137388-T-G.
Other names: c.-53A>C (NM_001145472.3); c.3281A>C, p.Asp1094Ala (NM_144612.7); short protein forms D1094A.
Identifiers: ClinVar variation 2147768 (VCV002147768.3), dbSNP rs543098936, ClinGen allele CA299793058.